The following is an entry in ClinVar:

NM_001382391.1(CSPP1):c.2387A>G (p.Glu796Gly)

Gene: CSPP1 (centrosome and spindle pole associated protein 1; plus strand). Cytogenetic location: 8q13.2.
Variant type: single nucleotide variant.
Coding change: c.2387A>G on transcript NM_001382391.1 (MANE Select); coding-DNA position 2387, A replaced by G.
Protein change: p.Glu796Gly; replaces glutamic acid 796 with glycine.
Molecular consequence: missense variant.
Genome position (GRCh38, 1-based): chr8:67,158,592, A>G. VCF-style: chr8-67158592-A-G. GRCh37 (hg19) VCF-style: chr8-68070827-A-G.
Other names: c.1337A>G, p.Glu446Gly (NM_001291339.2); c.2306A>G, p.Glu769Gly (NM_001363131.2); c.2192A>G, p.Glu731Gly (NM_001363132.2); c.2111A>G, p.Glu704Gly (NM_001363133.2); c.2453A>G, p.Glu818Gly (NM_001364869.1); c.2273A>G, p.Glu758Gly (NM_001364870.1); c.2372A>G, p.Glu791Gly (NM_024790.7); short protein forms E446G, E704G, E731G, E758G, E769G, E791G, E796G, E818G.
Identifiers: ClinVar variation 1061402 (VCV001061402.4), dbSNP rs1827120184, ClinGen allele CA371189229.
Genomic context (GRCh38, chr8:67,158,592, plus strand): 5'-AGAGGGCACGAATTCAGCAGGAGTATGAAGAGGAACAGGAAAAGAAAAGAGAGAAAGAGG[A>G]GGAGGTACATCTTTTTTCCCTATTGTATTTTACTACTTAGTCTGAAGGTGAAATCTTTGA-3'
Protein context (NP_001369320.1, residues 786-806): EEQEKKREKE[Glu796Gly]EQRLKNEEHI

ClinVar aggregate classification (germline): Uncertain significance. Review status: criteria provided, multiple submitters, no conflicts (2 of 4 stars). 2 submissions from 2 submitters: Uncertain significance (2). Last evaluated 2022-08-01.

Conditions:
Joubert syndrome 21 (JBTS21). Identifiers: MedGen C3810212, MONDO:0014288, OMIM 615636.

Allele frequency attached by ClinVar (database versions not stated): gnomAD exomes below 0.00001; TOPMed below 0.00001.
gnomAD v4.1: 1 of 1,586,146 alleles (0.000063%); highest among the groups gnomAD compares: Admixed American, 0.0018%; no homozygotes.

Submissions (2):

Labcorp Genetics (formerly Invitae), Labcorp
Classification: Uncertain significance for Joubert syndrome 21. Last evaluated: 2022-08-01. Review status: criteria provided, single submitter. Criteria: Invitae Variant Classification Sherloc (09022015). Collection method: clinical testing. Allele origin: germline.
Comment: This sequence change replaces glutamic acid, which is acidic and polar, with glycine, which is neutral and non-polar, at codon 791 of the CSPP1 protein (p.Glu791Gly). This variant is not present in population databases (gnomAD no frequency). This variant has not been reported in the literature in individuals affected with CSPP1-related conditions. ClinVar contains an entry for this variant (Variation ID: 1061402). Algorithms developed to predict the effect of missense changes on protein structure and function are either unavailable or do not agree on the potential impact of this missense change (SIFT: "Tolerated"; PolyPhen-2: "Probably Damaging"; Align-GVGD: "Class C0"). In summary, the available evidence is currently insufficient to determine the role of this variant in disease. Therefore, it has been classified as a Variant of Uncertain Significance.

Baylor Genetics
Classification: Uncertain significance for Joubert syndrome 21. Last evaluated: 2022-05-20. Review status: criteria provided, single submitter. Criteria: ACMG Guidelines, 2015. Collection method: clinical testing. Allele origin: unknown.